The following is an entry in ClinVar:

NM_152424.4(AMER1):c.2074G>A (p.Glu692Lys)

Gene: AMER1 (APC membrane recruitment protein 1; minus strand). Cytogenetic location: Xq11.2.
Variant type: single nucleotide variant.
Coding change: c.2074G>A on transcript NM_152424.4 (MANE Select); coding-DNA position 2074, G replaced by A.
Protein change: p.Glu692Lys; replaces glutamic acid 692 with lysine.
Molecular consequence: missense variant.
Genome position (GRCh38, 1-based): chrX:64,191,213, C>T on the plus strand (G>A on the coding strand, the complement: AMER1 is on the minus strand). VCF-style: chrX-64191213-C-T. GRCh37 (hg19) VCF-style: chrX-63411093-C-T.
Other names: short protein forms E692K.
Identifiers: ClinVar variation 2660741 (VCV002660741.27), dbSNP rs759613339, ClinGen allele CA10432240.

ClinVar aggregate classification (germline): Benign/Likely benign. Review status: criteria provided, multiple submitters, no conflicts (2 of 4 stars). 2 submissions from 2 submitters: Benign (1); Likely benign (1). Last evaluated 2025-09-24.

gnomAD v4.1: 46 of 1,210,401 alleles (0.0038%); highest among the groups gnomAD compares: Non-Finnish European, 0.0047%; no homozygotes.

Submissions (2):

Labcorp Genetics (formerly Invitae), Labcorp
Classification: Benign. Last evaluated: 2025-09-24. Review status: criteria provided, single submitter. Criteria: Invitae Variant Classification Sherloc (09022015). Collection method: clinical testing. Allele origin: germline.

CeGaT Center for Human Genetics Tuebingen
Classification: Likely benign. Last evaluated: 2023-02-01. Review status: criteria provided, single submitter. Criteria: CeGaT Center For Human Genetics Tuebingen Variant Classification Criteria Version 2. Collection method: clinical testing. Allele origin: germline. Affected: yes. Observed: 1 variant allele.
Comment: AMER1: BS2